The following is an entry in ClinVar:

NM_000719.7(CACNA1C):c.906G>A (p.Glu302=)

Gene: CACNA1C (calcium voltage-gated channel subunit alpha1 C; plus strand). Cytogenetic location: 12p13.33.
Variant type: single nucleotide variant.
Coding change: c.906G>A on transcript NM_000719.7 (MANE Select); coding-DNA position 906, G replaced by A.
Protein change: p.Glu302=; no amino-acid change (glutamic acid 302 retained).
Molecular consequence: synonymous variant.
Genome position (GRCh38, 1-based): chr12:2,486,252, G>A. VCF-style: chr12-2486252-G-A. GRCh37 (hg19) VCF-style: chr12-2595418-G-A.
Other names: c.906G>A, p.Glu302= (NM_001129827.2, NM_001129829.2, NM_001129830.3 and 19 more transcripts); c.906G>A (NM_199460.3).
Identifiers: ClinVar variation 308131 (VCV000308131.45), dbSNP rs367860917, ClinGen allele CA6388551.

ClinVar aggregate classification (germline): Likely benign. Review status: criteria provided, multiple submitters, no conflicts (2 of 4 stars). 7 submissions from 7 submitters: Likely benign (7). Last evaluated 2026-09-20.

Conditions:
CACNA1C-related disorder. Also called: CACNA1C-related condition; CACNA1C-related disorders. Identifiers: MedGen CN381092, MONDO:0700321.
Long QT syndrome (LQTS). Identifiers: MedGen C0023976, MeSH D008133, MONDO:0002442. Disease mechanism: loss of function. Inheritance: Various modes of inheritance.
Cardiovascular phenotype. Identifiers: MedGen CN230736.

Allele frequency attached by ClinVar (database versions not stated): ExAC 0.00006; gnomAD exomes 0.00006; ESP Exome Variant Server 0.00008; TOPMed 0.00008; gnomAD 0.00009 and 0.00011; 1000 Genomes Project 0.00020; 1000 Genomes Project 30x 0.00047.
gnomAD v4.1: 92 of 1,613,148 alleles (0.0057%); highest among the groups gnomAD compares: Middle Eastern, 0.099%; no homozygotes.

Submissions (7):

PreventionGenetics, part of Exact Sciences
Classification: Likely benign for CACNA1C-related condition. Last evaluated: 2026-09-20. Review status: criteria provided, single submitter. Criteria: ACMG Guidelines, 2015. Collection method: clinical testing. Allele origin: germline.
Comment: This variant is classified as likely benign based on ACMG/AMP sequence variant interpretation guidelines (Richards et al. 2015 PMID: 25741868, with internal and published modifications).

CeGaT Center for Human Genetics Tuebingen
Classification: Likely benign. Last evaluated: 2026-06-01. Review status: criteria provided, single submitter. Criteria: CeGaT Center For Human Genetics Tuebingen Variant Classification Criteria Version 2. Collection method: clinical testing. Allele origin: germline. Affected: yes. Observed: 6 variant alleles.
Comment: CACNA1C: BP4, BP7

Labcorp Genetics (formerly Invitae), Labcorp
Classification: Likely benign for Long QT syndrome. Last evaluated: 2026-01-11. Review status: criteria provided, single submitter. Criteria: Invitae Variant Classification Sherloc (09022015). Collection method: clinical testing. Allele origin: germline.

Molecular Diagnostic Laboratory for Inherited Cardiovascular Disease, Montreal Heart Institute
Classification: Likely benign. Last evaluated: 2025-04-09. Review status: criteria provided, single submitter. Criteria: ACMG Guidelines, 2015. Collection method: clinical testing. Allele origin: germline. Affected: no.

Blueprint Genetics
Classification: Likely benign. Last evaluated: 2024-08-19. Review status: criteria provided, single submitter. Criteria: ACMG Guidelines, 2015. Collection method: clinical testing. Allele origin: germline.

Ambry Genetics
Classification: Likely benign for Cardiovascular phenotype. Last evaluated: 2021-07-29. Review status: criteria provided, single submitter. Criteria: Ambry Variant Classification Scheme 2023. Collection method: clinical testing. Allele origin: germline.

GeneDx
Classification: Likely benign. Last evaluated: 2019-04-02. Review status: criteria provided, single submitter. Criteria: GeneDx Variant Classification Process June 2021. Collection method: clinical testing. Allele origin: germline. Affected: yes.